The following is an entry in ClinVar:

NM_016169.4(SUFU):c.881G>A (p.Gly294Asp)

Gene: SUFU (SUFU negative regulator of hedgehog signaling; plus strand). Cytogenetic location: 10q24.32.
Variant type: single nucleotide variant.
Coding change: c.881G>A on transcript NM_016169.4 (MANE Select); coding-DNA position 881, G replaced by A.
Protein change: p.Gly294Asp; replaces glycine 294 with aspartic acid.
Molecular consequence: missense variant.
Genome position (GRCh38, 1-based): chr10:102,597,264, G>A. VCF-style: chr10-102597264-G-A. GRCh37 (hg19) VCF-style: chr10-104357021-G-A.
Other names: c.881G>A, p.Gly294Asp (NM_001178133.2); short protein forms G294D.
Identifiers: ClinVar variation 1429128 (VCV001429128.13), dbSNP rs761234425, ClinGen allele CA5667797.

ClinVar aggregate classification (germline): Uncertain significance. Review status: criteria provided, multiple submitters, no conflicts (2 of 4 stars). 3 submissions from 3 submitters: Uncertain significance (3). Last evaluated 2025-06-17.

Conditions:
Basal cell nevus syndrome 1 (BCNS1). Also called: GORLIN-GOLTZ SYNDROME; MULTIPLE BASAL CELL NEVI, ODONTOGENIC KERATOCYSTS, AND SKELETAL ANOMALIES. Identifiers: MedGen CN376810, MONDO:0958174, OMIM 109400.
Hereditary cancer-predisposing syndrome. Also called: Hereditary neoplastic syndrome; Tumor predisposition; Hereditary Cancer Syndrome; Neoplastic Syndromes, Hereditary. Identifiers: Orphanet 140162, MedGen C0027672, MeSH D009386, MONDO:0015356.
Medulloblastoma (MDB). Also called: MEDULLOBLASTOMA PREDISPOSITION SYNDROME; Medulloblastoma, somatic. Identifiers: Orphanet 616, MedGen C0025149, MeSH D008527, MONDO:0007959, OMIM 155255, HP:0002885.
Gorlin syndrome. Also called: Nevoid Basal Cell Carcinoma Syndrome; Basal cell nevus syndrome. Identifiers: Orphanet 377, MedGen C0004779, MONDO:0007187.

Allele frequency attached by ClinVar (database versions not stated): ExAC 0.00001; gnomAD exomes 0.00001.
gnomAD v4.1: 11 of 1,613,864 alleles (0.00068%); highest among the groups gnomAD compares: Non-Finnish European, 0.00085%; no homozygotes.

Submissions (3):

St. Jude Molecular Pathology, St. Jude Children's Research Hospital
Classification: Uncertain significance for Basal cell nevus syndrome 1. Last evaluated: 2025-06-17. Review status: criteria provided, single submitter. Criteria: St. Jude Assertion Criteria 2020. Collection method: clinical testing. Allele origin: germline.
Comment: The SUFU c.881G>A p.(Gly294Asp) missense change is absent in gnomAD v2.1.1. The in silico tool REVEL is inconclusive about a pathogenic or benign effect of this variant on protein function, and to our knowledge functional studies have not been performed. To our knowledge, this variant has not been reported in individuals with nevoid basal cell carcinoma syndrome. In summary, the evidence currently available is insufficient to determine the clinical significance of this variant. It has therefore been classified as of uncertain significance.

Labcorp Genetics (formerly Invitae), Labcorp
Classification: Uncertain significance for Gorlin syndrome; Medulloblastoma. Last evaluated: 2025-06-12. Review status: criteria provided, single submitter. Criteria: Invitae Variant Classification Sherloc (09022015). Collection method: clinical testing. Allele origin: germline.
Comment: This sequence change replaces glycine, which is neutral and non-polar, with aspartic acid, which is acidic and polar, at codon 294 of the SUFU protein (p.Gly294Asp). This variant is not present in population databases (gnomAD no frequency). This variant has not been reported in the literature in individuals affected with SUFU-related conditions. ClinVar contains an entry for this variant (Variation ID: 1429128). Invitae Evidence Modeling of protein sequence and biophysical properties (such as structural, functional, and spatial information, amino acid conservation, physicochemical variation, residue mobility, and thermodynamic stability) indicates that this missense variant is not expected to disrupt SUFU protein function with a negative predictive value of 80%. In summary, the available evidence is currently insufficient to determine the role of this variant in disease. Therefore, it has been classified as a Variant of Uncertain Significance.

Ambry Genetics
Classification: Uncertain significance for Hereditary cancer-predisposing syndrome. Last evaluated: 2024-07-29. Review status: criteria provided, single submitter. Criteria: Ambry Variant Classification Scheme 2023. Collection method: clinical testing. Allele origin: germline.
Comment: The p.G294D variant (also known as c.881G>A), located in coding exon 7 of the SUFU gene, results from a G to A substitution at nucleotide position 881. The glycine at codon 294 is replaced by aspartic acid, an amino acid with similar properties. This amino acid position is conserved. In addition, this alteration is predicted to be deleterious by in silico analysis. Since supporting evidence is limited at this time, the clinical significance of this alteration remains unclear.